The following is an entry in ClinVar:

ClinVar aggregate classification (germline): Uncertain significance (1 of 4 stars; one submission).

Conditions:
Cortical dysplasia-focal epilepsy syndrome (PTHSL1). Also called: Pitt-Hopkins-like syndrome 1. Identifiers: Orphanet 163681, Orphanet 221150, MedGen C2750246, MONDO:0012400, OMIM 610042.

Submission:

Labcorp Genetics (formerly Invitae), Labcorp
Classification: Uncertain significance for Cortical dysplasia-focal epilepsy syndrome. Last evaluated: 2024-03-04. Review status: criteria provided, single submitter. Criteria: Invitae Variant Classification Sherloc (09022015). Collection method: clinical testing. Allele origin: germline.
Comment: This sequence change replaces proline, which is neutral and non-polar, with serine, which is neutral and polar, at codon 358 of the CNTNAP2 protein (p.Pro358Ser). This variant is not present in population databases (gnomAD no frequency). This variant has not been reported in the literature in individuals affected with CNTNAP2-related conditions. ClinVar contains an entry for this variant (Variation ID: 1059153). An algorithm developed to predict the effect of missense changes on protein structure and function (PolyPhen-2) suggests that this variant is likely to be tolerated. In summary, the available evidence is currently insufficient to determine the role of this variant in disease. Therefore, it has been classified as a Variant of Uncertain Significance.

NM_014141.6(CNTNAP2):c.1072C>T (p.Pro358Ser)

Gene: CNTNAP2 (contactin associated protein 2; plus strand). Cytogenetic location: 7q35.
Variant type: single nucleotide variant.
Coding change: c.1072C>T on transcript NM_014141.6 (MANE Select); coding-DNA position 1072, C replaced by T.
Protein change: p.Pro358Ser; replaces proline 358 with serine.
Molecular consequence: missense variant.
Genome position (GRCh38, 1-based): chr7:147,128,825, C>T. VCF-style: chr7-147128825-C-T. GRCh37 (hg19) VCF-style: chr7-146825917-C-T.
Other names: short protein forms P358S.
Identifiers: ClinVar variation 1059153 (VCV001059153.9), dbSNP rs2129284424, ClinGen allele CA369924417.